The following is an entry in ClinVar:

ClinVar aggregate classification (germline): Uncertain significance (1 of 4 stars; one submission).

Conditions:
Malignant hyperthermia, susceptibility to, 1 (MHS1). Also called: Anesthesia related hyperthermia; Malignant hyperpyrexia; Fulminating hyperpyrexia; Pharmacogenic myopathy; RYR1-Related Malignant Hyperthermia Susceptibility; Malignant hyperthermia suceptibility 1. Identifiers: Orphanet 423, MedGen C2930980, MONDO:0007783, OMIM 145600.

Allele frequency attached by ClinVar (database versions not stated): gnomAD exomes below 0.00001.
gnomAD v4.1: 1 of 1,614,118 alleles (0.000062%); highest among the groups gnomAD compares: Admixed American, 0.0017%; no homozygotes.

Submission:

All of Us Research Program, National Institutes of Health
Classification: Uncertain significance for Malignant hyperthermia, susceptibility to, 1. Last evaluated: 2023-08-08. Review status: criteria provided, single submitter. Criteria: ACMG Guidelines, 2015. Collection method: clinical testing. Allele origin: germline. Inheritance: Autosomal dominant inheritance. Observed: 1 variant allele, 1 heterozygote.
Comment: This missense variant replaces alanine with threonine at codon 3022 of the RYR1 protein. Computational prediction suggests that this variant may not impact protein structure and function (internally defined REVEL score threshold <= 0.5, PMID: 27666373). To our knowledge, functional studies have not been reported for this variant. This variant has not been reported in individuals affected with RYR1-related disorders in the literature. This variant has been identified in 1/251478 chromosomes in the general population by the Genome Aggregation Database (gnomAD). The available evidence is insufficient to determine the role of this variant in disease conclusively. Therefore, this variant is classified as a Variant of Uncertain Significance.

This study involves interpretation of variants in research participants for the purpose of population health screening. Participant phenotype was not available at the time of variant classification. Additional details can be found in publication PMID: 35346344, PMCID: PMC8962531

NM_000540.3(RYR1):c.9064G>A (p.Ala3022Thr)

Gene: RYR1 (ryanodine receptor 1; plus strand). Cytogenetic location: 19q13.2.
Variant type: single nucleotide variant.
Coding change: c.9064G>A on transcript NM_000540.3 (MANE Select); coding-DNA position 9064, G replaced by A.
Protein change: p.Ala3022Thr; replaces alanine 3022 with threonine.
Molecular consequence: missense variant.
Genome position (GRCh38, 1-based): chr19:38,510,723, G>A. VCF-style: chr19-38510723-G-A. GRCh37 (hg19) VCF-style: chr19-39001363-G-A.
Other names: c.9064G>A, p.Ala3022Thr (NM_001042723.2); short protein forms A3022T.
Identifiers: ClinVar variation 3072552 (VCV003072552.1), dbSNP rs1188009743, ClinGen allele CA405683798.
Genomic context (GRCh38, chr19:38,510,723, plus strand): 5'-CTGCTCCCTTTGATCAACCAGTACTTCACCAACCACTGCCTCTATTTCTTGTCCACTCCG[G>A]CTAAAGTGCTGGGCAGCGGTGGCCACGCCTCTAACAAGGAGAAGGAAATGATCACCAGGT-3'
Protein context (NP_000531.2, residues 3012-3032): NHCLYFLSTP[Ala3022Thr]KVLGSGGHAS